The following is an entry in ClinVar:

NM_002234.4(KCNA5):c.917C>A (p.Pro306Gln)

Gene: KCNA5 (potassium voltage-gated channel subfamily A member 5; plus strand). Cytogenetic location: 12p13.32.
Variant type: single nucleotide variant.
Coding change: c.917C>A on transcript NM_002234.4 (MANE Select); coding-DNA position 917, C replaced by A.
Protein change: p.Pro306Gln; replaces proline 306 with glutamine.
Molecular consequence: missense variant.
Genome position (GRCh38, 1-based): chr12:5,045,064, C>A. VCF-style: chr12-5045064-C-A. GRCh37 (hg19) VCF-style: chr12-5154230-C-A.
Other names: c.917C>A (NM_002234.2); short protein forms P306Q.
Identifiers: ClinVar variation 1005634 (VCV001005634.12), dbSNP rs527534559, ClinGen allele CA6399757.

ClinVar aggregate classification (germline): Conflicting classifications of pathogenicity. Review status: criteria provided, conflicting classifications (1 of 4 stars). 5 submissions from 5 submitters: Uncertain significance (4); Likely benign (1). Last evaluated 2025-11-20.

Conditions:
Inborn genetic diseases. Identifiers: MedGen C0950123, MeSH D030342.
Atrial fibrillation, familial, 7 (ATFB7). Identifiers: MedGen C2677106, MONDO:0012828, OMIM 612240.

Allele frequency attached by ClinVar (database versions not stated): ExAC 0.00005; gnomAD 0.00005 and 0.00006; TOPMed 0.00005; 1000 Genomes Project 0.00020; 1000 Genomes Project 30x 0.00031.
gnomAD v4.1: 86 of 1,612,630 alleles (0.0053%); highest among the groups gnomAD compares: Middle Eastern, 0.099%; no homozygotes.

Submissions (5):

Ambry Genetics
Classification: Uncertain significance for Inborn genetic diseases. Last evaluated: 2025-11-20. Review status: criteria provided, single submitter. Criteria: Ambry Variant Classification Scheme 2023. Collection method: clinical testing. Allele origin: germline.

Labcorp Genetics (formerly Invitae), Labcorp
Classification: Uncertain significance for Atrial fibrillation, familial, 7. Last evaluated: 2025-04-29. Review status: criteria provided, single submitter. Criteria: Invitae Variant Classification Sherloc (09022015). Collection method: clinical testing. Allele origin: germline.
Comment: This sequence change replaces proline, which is neutral and non-polar, with glutamine, which is neutral and polar, at codon 306 of the KCNA5 protein (p.Pro306Gln). This variant is present in population databases (rs527534559, gnomAD 0.03%). This variant has not been reported in the literature in individuals affected with KCNA5-related conditions. ClinVar contains an entry for this variant (Variation ID: 1005634). An algorithm developed to predict the effect of missense changes on protein structure and function (PolyPhen-2) suggests that this variant is likely to be tolerated. In summary, the available evidence is currently insufficient to determine the role of this variant in disease. Therefore, it has been classified as a Variant of Uncertain Significance.

Blueprint Genetics
Classification: Likely benign. Last evaluated: 2024-11-08. Review status: criteria provided, single submitter. Criteria: ACMG Guidelines, 2015. Collection method: clinical testing. Allele origin: germline.

Fulgent Genetics
Classification: Uncertain significance for Atrial fibrillation, familial, 7. Last evaluated: 2021-09-15. Review status: criteria provided, single submitter. Criteria: ACMG Guidelines, 2015. Collection method: clinical testing. Allele origin: unknown.

Breakthrough Genomics
Classification: Uncertain significance. Review status: criteria provided, single submitter. Criteria: ACMG Guidelines, 2015. Collection method: not provided. Allele origin: germline. Inheritance: Autosomal dominant inheritance. Affected: yes.